The following is an entry in ClinVar:

NM_004006.3(DMD):c.10725G>A (p.Arg3575=)

Gene: DMD (dystrophin; minus strand). Cytogenetic location: Xp21.2.
Variant type: single nucleotide variant.
Coding change: c.10725G>A on transcript NM_004006.3 (MANE Select); coding-DNA position 10725, G replaced by A.
Protein change: p.Arg3575=; no amino-acid change (arginine 3575 retained).
Molecular consequence: synonymous variant.
Genome position (GRCh38, 1-based): chrX:31,147,347, C>T on the plus strand (G>A on the coding strand, the complement: DMD is on the minus strand). VCF-style: chrX-31147347-C-T. GRCh37 (hg19) VCF-style: chrX-31165464-C-T.
Other names: c.10701G>A, p.Arg3567= (NM_000109.4); c.10713G>A, p.Arg3571= (NM_004009.3); c.10356G>A, p.Arg3452= (NM_004010.3); c.6702G>A, p.Arg2234= (NM_004011.4); c.6693G>A, p.Arg2231= (NM_004012.4); c.3345G>A, p.Arg1115= (NM_004013.3, NM_004021.3); c.2538G>A, p.Arg846= (NM_004014.3); c.1521G>A, p.Arg507= (NM_004015.3, NM_004016.3); and 3 more.
Identifiers: ClinVar variation 455855 (VCV000455855.15), dbSNP rs147346696, ClinGen allele CA10377545.

ClinVar aggregate classification (germline): Likely benign. Review status: criteria provided, multiple submitters, no conflicts (2 of 4 stars). 3 submissions from 3 submitters: Likely benign (3). Last evaluated 2026-01-13.

Conditions:
Cardiovascular phenotype. Identifiers: MedGen CN230736.
Duchenne muscular dystrophy (DMD). Also called: MUSCULAR DYSTROPHY, PSEUDOHYPERTROPHIC PROGRESSIVE, DUCHENNE TYPE; Duchenne Muscular Dystrophy (DMD). Identifiers: Orphanet 98896, MedGen C0013264, MONDO:0010679, OMIM 310200.

Allele frequency attached by ClinVar (database versions not stated): gnomAD exomes below 0.00001 and 0.00001; ExAC 0.00002; gnomAD 0.00002; TOPMed 0.00005; ESP Exome Variant Server 0.00009.
gnomAD v4.1: 7 of 1,208,128 alleles (0.00058%); highest among the groups gnomAD compares: Admixed American, 0.0022%; no homozygotes.

Submissions (3):

Labcorp Genetics (formerly Invitae), Labcorp
Classification: Likely benign for Duchenne muscular dystrophy. Last evaluated: 2026-01-13. Review status: criteria provided, single submitter. Criteria: Invitae Variant Classification Sherloc (09022015). Collection method: clinical testing. Allele origin: germline.

Ambry Genetics
Classification: Likely benign for Cardiovascular phenotype. Last evaluated: 2020-11-25. Review status: criteria provided, single submitter. Criteria: Ambry Variant Classification Scheme 2023. Collection method: clinical testing. Allele origin: germline.

GeneDx
Classification: Likely benign. Last evaluated: 2018-05-16. Review status: criteria provided, single submitter. Criteria: GeneDx Variant Classification (06012015). Collection method: clinical testing. Allele origin: germline. Affected: yes.
Comment: This variant is considered likely benign or benign based on one or more of the following criteria: it is a conservative change, it occurs at a poorly conserved position in the protein, it is predicted to be benign by multiple in silico algorithms, and/or has population frequency not consistent with disease.